The following is an entry in ClinVar:

ClinVar aggregate classification (germline): Uncertain significance (1 of 4 stars; one submission).

Allele frequency attached by ClinVar (database versions not stated): TOPMed below 0.00001; gnomAD 0.00001.
gnomAD v4.1: 11 of 1,473,650 alleles (0.00075%); highest among the groups gnomAD compares: Middle Eastern, 0.025%; no homozygotes.

Submission:

Labcorp Genetics (formerly Invitae), Labcorp
Classification: Uncertain significance. Last evaluated: 2020-11-25. Review status: criteria provided, single submitter. Criteria: Invitae Variant Classification Sherloc (09022015). Collection method: clinical testing. Allele origin: germline.
Comment: In summary, the available evidence is currently insufficient to determine the role of this variant in disease. Therefore, it has been classified as a Variant of Uncertain Significance. Algorithms developed to predict the effect of missense changes on protein structure and function are either unavailable or do not agree on the potential impact of this missense change (SIFT: "Tolerated"; PolyPhen-2: "Not Available"; Align-GVGD: "Class C0"). This variant has not been reported in the literature in individuals with CIB1-related conditions. The frequency data for this variant in the population databases is considered unreliable, as metrics indicate poor data quality at this position in the ExAC database. This sequence change replaces glycine with aspartic acid at codon 3 of the CIB1 protein (p.Gly3Asp). The glycine residue is moderately conserved and there is a moderate physicochemical difference between glycine and aspartic acid.

NM_006384.4(CIB1):c.8G>A (p.Gly3Asp)

Genes: CIB1 (calcium and integrin binding 1; minus strand), LOC130057907 (ATAC-STARR-seq lymphoblastoid silent region 6817; plus strand). Cytogenetic location: 15q26.1.
Variant type: single nucleotide variant.
Coding change: c.8G>A on transcript NM_006384.4 (MANE Select); coding-DNA position 8, G replaced by A.
Protein change: p.Gly3Asp; replaces glycine 3 with aspartic acid.
Molecular consequence: missense variant.
Genome position (GRCh38, 1-based): chr15:90,233,878, C>T on the plus strand (G>A on the coding strand, the complement: CIB1 is on the minus strand). VCF-style: chr15-90233878-C-T. GRCh37 (hg19) VCF-style: chr15-90777110-C-T.
Other names: c.8G>A, p.Gly3Asp (NM_001277764.2); short protein forms G3D.
Identifiers: ClinVar variation 1471290 (VCV001471290.8), dbSNP rs769387722, ClinGen allele CA7734367.